The following is an entry in ClinVar:

NM_001004334.4(GPR179):c.4417A>G (p.Ile1473Val)

Gene: GPR179 (G protein-coupled receptor 179; minus strand). Cytogenetic location: 17q12.
Variant type: single nucleotide variant.
Coding change: c.4417A>G on transcript NM_001004334.4 (MANE Select); coding-DNA position 4417, A replaced by G.
Protein change: p.Ile1473Val; replaces isoleucine 1473 with valine.
Molecular consequence: missense variant.
Genome position (GRCh38, 1-based): chr17:38,329,152, T>C on the plus strand (A>G on the coding strand, the complement: GPR179 is on the minus strand). VCF-style: chr17-38329152-T-C. GRCh37 (hg19) VCF-style: chr17-36485035-T-C.
Other names: short protein forms I1473V.
Identifiers: ClinVar variation 2008111 (VCV002008111.4), dbSNP rs985629137, ClinGen allele CA290104181.

ClinVar aggregate classification (germline): Uncertain significance (1 of 4 stars; one submission).

Submission:

Labcorp Genetics (formerly Invitae), Labcorp
Classification: Uncertain significance. Last evaluated: 2022-06-18. Review status: criteria provided, single submitter. Criteria: Invitae Variant Classification Sherloc (09022015). Collection method: clinical testing. Allele origin: germline.
Comment: In summary, the available evidence is currently insufficient to determine the role of this variant in disease. Therefore, it has been classified as a Variant of Uncertain Significance. Algorithms developed to predict the effect of missense changes on protein structure and function output the following: SIFT: "Tolerated"; PolyPhen-2: "Benign"; Align-GVGD: "Class C0". The valine amino acid residue is found in multiple mammalian species, which suggests that this missense change does not adversely affect protein function. This variant has not been reported in the literature in individuals affected with GPR179-related conditions. This variant is not present in population databases (gnomAD no frequency). This sequence change replaces isoleucine, which is neutral and non-polar, with valine, which is neutral and non-polar, at codon 1473 of the GPR179 protein (p.Ile1473Val).